The following is an entry in ClinVar:

NM_000059.4(BRCA2):c.5039C>T (p.Ser1680Phe)

Gene: BRCA2 (BRCA2 DNA repair associated; plus strand). Cytogenetic location: 13q13.1.
Variant type: single nucleotide variant.
Coding change: c.5039C>T on transcript NM_000059.4 (MANE Select); coding-DNA position 5039, C replaced by T.
Protein change: p.Ser1680Phe; replaces serine 1680 with phenylalanine.
Molecular consequence: missense variant.
Genome position (GRCh38, 1-based): chr13:32,339,394, C>T. VCF-style: chr13-32339394-C-T. GRCh37 (hg19) VCF-style: chr13-32913531-C-T.
Other names: short protein forms S1680F.
Identifiers: ClinVar variation 954835 (VCV000954835.12), dbSNP rs1555284041, ClinGen allele CA387783997.
Genomic context (GRCh38, chr13:32,339,394, plus strand): 5'-CTTATTCAGTCATTGAAAATTCAGCCTTAGCTTTTTACACAAGTTGTAGTAGAAAAACTT[C>T]TGTGAGTCAGACTTCATTACTTGAAGCAAAAAAATGGCTTAGAGAAGGAATATTTGATGG-3'
Protein context (NP_000050.3, residues 1670-1690): AFYTSCSRKT[Ser1680Phe]VSQTSLLEAK

ClinVar aggregate classification (germline): Conflicting classifications of pathogenicity. Review status: criteria provided, conflicting classifications (1 of 4 stars). 3 submissions from 3 submitters: Uncertain significance (2); Likely benign (1). Last evaluated 2025-10-22.

Conditions:
Hereditary breast ovarian cancer syndrome. Also called: Hereditary breast and ovarian cancer; Hereditary breast and/or ovarian cancer syndrome; Hereditary breast and ovarian cancer syndrome; Hereditary breast and ovarian cancer syndrome (HBOC); Breast and ovarian cancer; BRCA1- and BRCA2-Associated Hereditary Breast and Ovarian Cancer. Identifiers: Orphanet 145, MedGen C0677776, MeSH D061325, MONDO:0003582. Disease mechanism: loss of function.
Hereditary cancer-predisposing syndrome. Also called: Hereditary neoplastic syndrome; Tumor predisposition; Neoplastic Syndromes, Hereditary; Hereditary Cancer Syndrome. Identifiers: Orphanet 140162, MedGen C0027672, MeSH D009386, MONDO:0015356.

Allele frequency attached by ClinVar (database versions not stated): gnomAD 0.00001.
gnomAD v4.1: 1 of 1,595,762 alleles (0.000063%); highest among the groups gnomAD compares: African/African-American, 0.0014%; no homozygotes.

Submissions (3):

Labcorp Genetics (formerly Invitae), Labcorp
Classification: Uncertain significance for Hereditary breast ovarian cancer syndrome. Last evaluated: 2025-10-22. Review status: criteria provided, single submitter. Criteria: Invitae Variant Classification Sherloc (09022015). Collection method: clinical testing. Allele origin: germline.
Comment: This sequence change replaces serine, which is neutral and polar, with phenylalanine, which is neutral and non-polar, at codon 1680 of the BRCA2 protein (p.Ser1680Phe). This variant is not present in population databases (gnomAD no frequency). This variant has not been reported in the literature in individuals affected with BRCA2-related conditions. ClinVar contains an entry for this variant (Variation ID: 954835). Invitae Evidence Modeling of protein sequence and biophysical properties (such as structural, functional, and spatial information, amino acid conservation, physicochemical variation, residue mobility, and thermodynamic stability) indicates that this missense variant is not expected to disrupt BRCA2 protein function with a negative predictive value of 95%. In summary, the available evidence is currently insufficient to determine the role of this variant in disease. Therefore, it has been classified as a Variant of Uncertain Significance.

Ambry Genetics
Classification: Uncertain significance for Hereditary cancer-predisposing syndrome. Last evaluated: 2024-06-05. Review status: criteria provided, single submitter. Criteria: Ambry Variant Classification Scheme 2023. Collection method: clinical testing. Allele origin: germline.
Comment: The p.S1680F variant (also known as c.5039C>T), located in coding exon 10 of the BRCA2 gene, results from a C to T substitution at nucleotide position 5039. The serine at codon 1680 is replaced by phenylalanine, an amino acid with highly dissimilar properties. This amino acid position is conserved. In addition, the in silico prediction for this alteration is inconclusive. Based on the available evidence, the clinical significance of this variant remains unclear.

University of Washington Department of Laboratory Medicine, University of Washington
Classification: Likely benign for Hereditary cancer-predisposing syndrome. Last evaluated: 2023-03-23. Review status: criteria provided, single submitter. Criteria: Dines et al. (Genet Med. 2020). Collection method: curation. Allele origin: germline.
Comment: Missense variant in a coldspot region where missense variants are very unlikely to be pathogenic (PMID:31911673).

BRCA2 exon 11 coldspot. Reclassification based on statistical prior probability.